The following is an entry in ClinVar:

NM_024426.6(WT1):c.1400G>T (p.Arg467Leu)

Gene: WT1 (WT1 transcription factor; minus strand). Cytogenetic location: 11p13.
Variant type: single nucleotide variant.
Coding change: c.1400G>T on transcript NM_024426.6 (MANE Select); coding-DNA position 1400, G replaced by T.
Protein change: p.Arg467Leu; replaces arginine 467 with leucine.
Molecular consequence: missense variant. On other transcripts: non-coding transcript variant (2), intron variant (2).
Genome position (GRCh38, 1-based): chr11:32,392,019, C>A on the plus strand (G>T on the coding strand, the complement: WT1 is on the minus strand). VCF-style: chr11-32392019-C-A. GRCh37 (hg19) VCF-style: chr11-32413565-C-A.
Other names: c.1349G>T, p.Arg450Leu (NM_000378.6, NM_001407045.1); c.749G>T, p.Arg250Leu (NM_001198551.2); c.698G>T, p.Arg233Leu (NM_001198552.2); c.212G>T, p.Arg71Leu (NM_001367854.1); c.1394G>T, p.Arg465Leu (NM_001407044.1); c.1277G>T, p.Arg426Leu (NM_001407047.1); c.1259G>T, p.Arg420Leu (NM_001407048.1); c.1226G>T, p.Arg409Leu (NM_001407050.1); and 5 more; short protein forms R213L, R233L, R250L, R409L, R420L, R426L, R445L, R450L.
Identifiers: ClinVar variation 3024186 (VCV003024186.2), ClinGen allele CA379958847.

ClinVar aggregate classification (somatic clinical impact): Tier I - Strong (0 of 4 stars; one submission).

Conditions:
Acute myeloid leukemia (AML). Also called: Acute myeloid leukemia, adult; AML adult; Acute non-lymphocytic leukemia; Acute granulocytic leukemia; Leukemia, acute myeloid, somatic; Leukemia, acute myelogenous, somatic. Identifiers: Orphanet 519, MedGen C0023467, MeSH D015470, MONDO:0018874, OMIM 601626, HP:0004808. Disease mechanism: Constitutively activated FLT3.

Submission:

Molecular Diagnostics Laboratory, Fox Chase Cancer Center - Temple Health
Classification: Tier I - Strong for Acute myeloid leukemia. Assertion type: prognostic. Clinical significance: poor outcome. Last evaluated: 2024-01-24. Review status: no assertion criteria provided. Collection method: clinical testing. Allele origin: somatic. Affected: yes.
Comment: This variant is similar to WT1 p.Arg467Pro, which also substitutes a non-polar amino acid for the charged polar Arg and was classified Pathogenic in ClinVar (VCV000003491.3). ClinVar accession VCV000419332.13 classifies WT1 p.Arg467Gln as Likely Pathogenic/Pathogenic.

Literature cited by the submitters: PubMed 32461631; PubMed 33968731; PubMed 19536888; PubMed 18591546; PubMed 20368469; PubMed 18559874; PubMed 19171881; PubMed 25110071.